The following is an entry in ClinVar:

ClinVar aggregate classification (germline): Uncertain significance (1 of 4 stars; one submission).

Submission:

Mayo Clinic Laboratories, Mayo Clinic
Classification: Uncertain significance. Last evaluated: 2025-03-12. Review status: criteria provided, single submitter. Criteria: ACMG Guidelines, 2015. Collection method: clinical testing. Allele origin: germline. Observed: 1 variant allele.
Comment: PM2_supporting

NM_205836.3(FBXO38):c.1015G>T (p.Ala339Ser)

Gene: FBXO38 (F-box protein 38; plus strand). Cytogenetic location: 5q32.
Variant type: single nucleotide variant.
Coding change: c.1015G>T on transcript NM_205836.3 (MANE Select); coding-DNA position 1015, G replaced by T.
Protein change: p.Ala339Ser; replaces alanine 339 with serine.
Molecular consequence: missense variant.
Genome position (GRCh38, 1-based): chr5:148,410,687, G>T. VCF-style: chr5-148410687-G-T. GRCh37 (hg19) VCF-style: chr5-147790250-G-T.
Other names: p.Ala339Ser; c.1015G>T, p.Ala339Ser (NM_001271723.2, NM_030793.5); short protein forms A339S.
Identifiers: ClinVar variation 4541074 (VCV004541074.1).